The following is an entry in ClinVar:

ClinVar aggregate classification (germline): Pathogenic (1 of 4 stars; one submission).

Conditions:
Brody myopathy. Also called: BRODY DISEASE. Identifiers: Orphanet 53347, MedGen C1832918, MONDO:0010977, OMIM 601003.

gnomAD v4.1: 10 of 1,613,960 alleles (0.00062%); highest among the groups gnomAD compares: Non-Finnish European, 0.00085%; no homozygotes.

Submission:

Labcorp Genetics (formerly Invitae), Labcorp
Classification: Pathogenic for Brody myopathy. Last evaluated: 2025-09-30. Review status: criteria provided, single submitter. Criteria: Invitae Variant Classification Sherloc (09022015). Collection method: clinical testing. Allele origin: germline.
Comment: This sequence change affects a donor splice site in intron 3 of the ATP2A1 gene. It is expected to disrupt RNA splicing. Variants that disrupt the donor or acceptor splice site typically lead to a loss of protein function (PMID: 16199547), and loss-of-function variants in ATP2A1 are known to be pathogenic (PMID: 8841193, 10914677, 23911890). This variant is not present in population databases (gnomAD no frequency). Disruption of this splice site has been observed in individual(s) with Brody Myopathy (PMID: 8841193). In at least one individual the data is consistent with being in trans (on the opposite chromosome) from a pathogenic variant. It has also been observed to segregate with disease in related individuals. Algorithms developed to predict the effect of sequence changes on RNA splicing suggest that this variant may disrupt the consensus splice site. For these reasons, this variant has been classified as Pathogenic.

Literature cited by the submitters: PubMed 16199547; PubMed 8841193; PubMed 10914677; PubMed 23911890.

NM_004320.6(ATP2A1):c.219+1G>T

Genes: ATP2A1-AS1 (ATP2A1 antisense RNA 1; minus strand), ATP2A1 (ATPase sarcoplasmic/endoplasmic reticulum Ca2+ transporting 1; plus strand). Cytogenetic location: 16p11.2.
Variant type: single nucleotide variant.
Coding change: c.219+1G>T on transcript NM_004320.6 (MANE Select); the canonical splice donor site of the intron after coding-DNA position 219, G replaced by T.
Molecular consequence: splice donor variant. On other transcripts: non-coding transcript variant (4).
Genome position (GRCh38, 1-based): chr16:28,879,584, G>T. VCF-style: chr16-28879584-G-T. GRCh37 (hg19) VCF-style: chr16-28890905-G-T.
Other names: c.219+1G>T (NM_173201.5).
Identifiers: ClinVar variation 4760051 (VCV004760051.1).